The following is an entry in ClinVar:

NM_000138.5(FBN1):c.4336G>A (p.Asp1446Asn)

Genes: FBN1 (fibrillin 1; minus strand), LOC126862124 (CDK7 strongly-dependent group 2 enhancer GRCh37_chr15:48764566-48765765; plus strand). Cytogenetic location: 15q21.1.
Variant type: single nucleotide variant.
Coding change: c.4336G>A on transcript NM_000138.5 (MANE Select); coding-DNA position 4336, G replaced by A.
Protein change: p.Asp1446Asn; replaces aspartic acid 1446 with asparagine.
Molecular consequence: missense variant.
Genome position (GRCh38, 1-based): chr15:48,472,551, C>T on the plus strand (G>A on the coding strand, the complement: FBN1 is on the minus strand). VCF-style: chr15-48472551-C-T. GRCh37 (hg19) VCF-style: chr15-48764748-C-T.
Other names: p.D1446N:GAT>AAT; short protein forms D1446N.
Identifiers: ClinVar variation 200042 (VCV000200042.30), dbSNP rs794728221, ClinGen allele CA014954.

ClinVar aggregate classification (germline): Pathogenic/Likely pathogenic. Review status: criteria provided, multiple submitters, no conflicts (2 of 4 stars). 4 submissions from 4 submitters: Pathogenic (1); Likely pathogenic (3). Last evaluated 2023-10-23.

Conditions:
Marfan syndrome (MFS). Also called: Marfan syndrome, classic; FBN1-Related Marfan Syndrome; Marfan syndrome type 1; Marfan's syndrome; MARFAN SYNDROME, TYPE I. Identifiers: Orphanet 284963, Orphanet 558, MedGen C0024796, MONDO:0007947, OMIM 154700.
Familial thoracic aortic aneurysm and aortic dissection (TAAD). Also called: Thoracic aortic aneurysms and dissections. Identifiers: Orphanet 91387, MedGen C4707243, MONDO:0019625.

Submissions (4):

GeneDx
Classification: Likely pathogenic. Last evaluated: 2023-10-23. Review status: criteria provided, single submitter. Criteria: GeneDx Variant Classification Process June 2021. Collection method: clinical testing. Allele origin: germline. Affected: yes.
Comment: Not observed at significant frequency in large population cohorts (gnomAD); In silico analysis supports that this missense variant has a deleterious effect on protein structure/function; This variant is associated with the following publications: (PMID: 25907466, 34498425, 20591885, 35058154)

Labcorp Genetics (formerly Invitae), Labcorp
Classification: Pathogenic for Marfan syndrome; Familial thoracic aortic aneurysm and aortic dissection. Last evaluated: 2023-02-10. Review status: criteria provided, single submitter. Criteria: Invitae Variant Classification Sherloc (09022015). Collection method: clinical testing. Allele origin: germline.
Comment: Algorithms developed to predict the effect of missense changes on protein structure and function are either unavailable or do not agree on the potential impact of this missense change (SIFT: "Deleterious"; PolyPhen-2: "Probably Damaging"; Align-GVGD: "Class C15"). For these reasons, this variant has been classified as Pathogenic. Variants that disrupt the consensus splice site are a relatively common cause of aberrant splicing (PMID: 17576681, 9536098). ClinVar contains an entry for this variant (Variation ID: 200042). This missense change has been observed in individual(s) with clinical features of Marfan syndrome (PMID: 25907466; Invitae). In at least one individual the variant was observed to be de novo. This variant is not present in population databases (gnomAD no frequency). This sequence change replaces aspartic acid, which is acidic and polar, with asparagine, which is neutral and polar, at codon 1446 of the FBN1 protein (p.Asp1446Asn). This variant also falls at the last nucleotide of exon 35, which is part of the consensus splice site for this exon.

Centre of Medical Genetics, University of Antwerp
Classification: Likely pathogenic for Marfan syndrome. Last evaluated: 2021-03-01. Review status: criteria provided, single submitter. Criteria: Submitter's publication. Collection method: research. Allele origin: unknown. Affected: yes.
Comment: PM2, PS6, PP4

Juno Genomics, Hangzhou Juno Genomics, Inc
Classification: Likely pathogenic for Marfan syndrome. Review status: criteria provided, single submitter. Criteria: ACMG Guidelines, 2015. Collection method: clinical testing. Allele origin: germline. Affected: yes.
Comment: Absent from controls (or at extremely low frequency if recessive) in Genome Aggregation Database, Exome Sequencing Project, 1000 Genomes Project, or Exome Aggregation Consortium.;Multiple lines of computational evidence support a deleterious effect on the gene or gene product (conservation, evolutionary, splicing impact, etc).;Missense variant in a gene that has a low rate of benign missense variation and where missense variants are a common mechanism of disease.;The prevalence of the variant in affected individuals is significantly increased compared to the prevalence in controls.

Literature cited by the submitters: PubMed 17576681 (cited by Labcorp Genetics (formerly Invitae), Labcorp); PubMed 9536098 (cited by Labcorp Genetics (formerly Invitae), Labcorp); PubMed 25907466 (cited by Labcorp Genetics (formerly Invitae), Labcorp).